The following is an entry in ClinVar:

ClinVar aggregate classification (germline): Uncertain significance (1 of 4 stars; one submission).

Submission:

Labcorp Genetics (formerly Invitae), Labcorp
Classification: Uncertain significance. Last evaluated: 2021-11-18. Review status: criteria provided, single submitter. Criteria: Invitae Variant Classification Sherloc (09022015). Collection method: clinical testing. Allele origin: germline.
Comment: This variant is not present in population databases (gnomAD no frequency). In summary, the available evidence is currently insufficient to determine the role of this variant in disease. Therefore, it has been classified as a Variant of Uncertain Significance. Algorithms developed to predict the effect of missense changes on protein structure and function are either unavailable or do not agree on the potential impact of this missense change (SIFT: "Deleterious"; PolyPhen-2: "Probably Damaging"; Align-GVGD: "Class C0"). This variant has not been reported in the literature in individuals affected with CHD5-related conditions. This sequence change replaces glycine, which is neutral and non-polar, with aspartic acid, which is acidic and polar, at codon 837 of the CHD5 protein (p.Gly837Asp).

NM_015557.3(CHD5):c.2510G>A (p.Gly837Asp)

Gene: CHD5 (chromodomain helicase DNA binding protein 5; minus strand). Cytogenetic location: 1p36.31.
Variant type: single nucleotide variant.
Coding change: c.2510G>A on transcript NM_015557.3 (MANE Select); coding-DNA position 2510, G replaced by A.
Protein change: p.Gly837Asp; replaces glycine 837 with aspartic acid.
Molecular consequence: missense variant.
Genome position (GRCh38, 1-based): chr1:6,136,792, C>T on the plus strand (G>A on the coding strand, the complement: CHD5 is on the minus strand). VCF-style: chr1-6136792-C-T. GRCh37 (hg19) VCF-style: chr1-6196852-C-T.
Other names: short protein forms G837D.
Identifiers: ClinVar variation 1437335 (VCV001437335.6), dbSNP rs2100852706, ClinGen allele CA338079445.